The following is an entry in ClinVar:

NM_133259.4(LRPPRC):c.4077C>T (p.Tyr1359=)

Gene: LRPPRC (leucine rich pentatricopeptide repeat containing; minus strand). Cytogenetic location: 2p21.
Variant type: single nucleotide variant.
Coding change: c.4077C>T on transcript NM_133259.4 (MANE Select); coding-DNA position 4077, C replaced by T.
Protein change: p.Tyr1359=; no amino-acid change (tyrosine 1359 retained).
Molecular consequence: synonymous variant.
Genome position (GRCh38, 1-based): chr2:43,889,785, G>A on the plus strand (C>T on the coding strand, the complement: LRPPRC is on the minus strand). VCF-style: chr2-43889785-G-A. GRCh37 (hg19) VCF-style: chr2-44116924-G-A.
Identifiers: ClinVar variation 671514 (VCV000671514.26), dbSNP rs148828179, ClinGen allele CA1637822.

ClinVar aggregate classification (germline): Likely benign. Review status: criteria provided, multiple submitters, no conflicts (2 of 4 stars). 6 submissions from 6 submitters: Likely benign (5). 1 of the submissions does not count toward it. Last evaluated 2026-07-01.

Conditions:
Congenital lactic acidosis, Saguenay-Lac-Saint-Jean type (MC4DN5). Also called: CYTOCHROME c OXIDASE DEFICIENCY, FRENCH CANADIAN TYPE; COX DEFICIENCY, FRENCH CANADIAN TYPE; MITOCHONDRIAL COMPLEX IV DEFICIENCY, NUCLEAR TYPE 5. Identifiers: Orphanet 70472, MedGen C1857355, MONDO:0009069, OMIM 220111.
Inborn genetic diseases. Identifiers: MedGen C0950123, MeSH D030342.

Allele frequency attached by ClinVar (database versions not stated): gnomAD 0.00006 and 0.00007; TOPMed 0.00006; ExAC 0.00012; ESP Exome Variant Server 0.00015.
gnomAD v4.1: 85 of 1,611,464 alleles (0.0053%); highest among the groups gnomAD compares: Middle Eastern, 0.016%; no homozygotes.

Submissions (6):

CeGaT Center for Human Genetics Tuebingen
Classification: Likely benign. Last evaluated: 2026-07-01. Review status: criteria provided, single submitter. Criteria: CeGaT Center For Human Genetics Tuebingen Variant Classification Criteria Version 2. Collection method: clinical testing. Allele origin: germline. Affected: yes. Observed: 2 variant alleles.
Comment: LRPPRC: BP4, BP7

Labcorp Genetics (formerly Invitae), Labcorp
Classification: Likely benign. Last evaluated: 2026-01-28. Review status: criteria provided, single submitter. Criteria: Invitae Variant Classification Sherloc (09022015). Collection method: clinical testing. Allele origin: germline.

Ambry Genetics
Classification: Likely benign for Inborn genetic diseases. Last evaluated: 2025-01-20. Review status: criteria provided, single submitter. Criteria: Ambry Variant Classification Scheme 2023. Collection method: clinical testing. Allele origin: germline.

GeneDx
Classification: Likely benign. Last evaluated: 2018-06-19. Review status: criteria provided, single submitter. Criteria: GeneDx Variant Classification (06012015). Collection method: clinical testing. Allele origin: germline. Affected: yes.
Comment: This variant is considered likely benign or benign based on one or more of the following criteria: it is a conservative change, it occurs at a poorly conserved position in the protein, it is predicted to be benign by multiple in silico algorithms, and/or has population frequency not consistent with disease.

Breakthrough Genomics
Classification: Likely benign. Review status: criteria provided, single submitter. Criteria: ACMG Guidelines, 2015. Collection method: not provided. Allele origin: germline. Inheritance: Autosomal recessive inheritance. Affected: yes.

Natera, Inc.
Classification: Likely benign for French-Canadian type Leigh syndrome. Last evaluated: 2020-02-07. Review status: no assertion criteria provided. Collection method: clinical testing. Allele origin: germline. Not counted in ClinVar's aggregate classification.